The following is an entry in ClinVar:

ClinVar aggregate classification (germline): Uncertain significance (1 of 4 stars; one submission).

Submission:

GeneDx
Classification: Uncertain significance. Last evaluated: 2024-06-07. Review status: criteria provided, single submitter. Criteria: GeneDx Variant Classification Process June 2021. Collection method: clinical testing. Allele origin: germline. Affected: yes.
Comment: Not observed at significant frequency in large population cohorts (gnomAD); In silico analysis indicates that this missense variant does not alter protein structure/function; Has not been previously published as pathogenic or benign to our knowledge

NM_017672.6(TRPM7):c.3283T>C (p.Phe1095Leu)

Gene: TRPM7 (transient receptor potential cation channel subfamily M member 7; minus strand). Cytogenetic location: 15q21.2.
Variant type: single nucleotide variant.
Coding change: c.3283T>C on transcript NM_017672.6 (MANE Select); coding-DNA position 3283, T replaced by C.
Protein change: p.Phe1095Leu; replaces phenylalanine 1095 with leucine.
Molecular consequence: missense variant. On other transcripts: non-coding transcript variant (1).
Genome position (GRCh38, 1-based): chr15:50,596,262, A>G on the plus strand (T>C on the coding strand, the complement: TRPM7 is on the minus strand). VCF-style: chr15-50596262-A-G. GRCh37 (hg19) VCF-style: chr15-50888459-A-G.
Other names: c.3283T>C, p.Phe1095Leu (NM_001301212.2); short protein forms F1095L.
Identifiers: ClinVar variation 3384402 (VCV003384402.1).
Genomic context (GRCh38, chr15:50,596,262, plus strand): 5'-GTAGAATTGCATATTAAATCATCTTATAACAAACAATTGAACAAAATTCTTACTTGAAAA[A>G]TGCAATAAGAAGATTAACCATAATGATATACTGTACAAAGAGGTAGACTGCTTGAAGAAA-3'
Protein context (NP_060142.3, residues 1085-1105): YIIMVNLLIA[Phe1095Leu]FNNVYLQVKA